The following is an entry in ClinVar:

NM_020366.4(RPGRIP1):c.2308_2311del (p.Lys770fs)

Gene: RPGRIP1 (RPGR interacting protein 1; plus strand). Cytogenetic location: 14q11.2.
Variant type: Microsatellite.
Coding change: c.2308_2311del on transcript NM_020366.4 (MANE Select); coding-DNA positions 2308 to 2311, 4 bases deleted (AAAG; older notation c.2308_2311delAAAG).
Protein change: p.Lys770fs; shifts the reading frame from lysine 770.
Molecular consequence: frameshift variant. On other transcripts: intron variant (4).
Genome position (GRCh38, 1-based): chr14:21,325,324-21,325,327, AAAG deleted; deleting any 4 consecutive bases within chr14:21,325,319-21,325,327 gives the same sequence; the c. name uses the placement nearest the transcript's 3' end. VCF-style (leftmost placement, unchanged base first): chr14-21325318-CGAAA-C. GRCh37 (hg19) VCF-style: chr14-21793477-CGAAA-C.
Other names: c.1234_1237del, p.Lys412fs (NM_001377948.1); c.796+599_796+602del (NM_001377949.1); c.689-2299_689-2296del (NM_001377523.1, NM_001377950.1); c.191-2299_191-2296del (NM_001377951.1); short protein forms K412fs, K770fs.
Identifiers: ClinVar variation 1395639 (VCV001395639.6), dbSNP rs1412625438, ClinGen allele CA612384106.

ClinVar aggregate classification (germline): Pathogenic (1 of 4 stars; one submission).

Conditions:
Cone-rod dystrophy 13 (CORD13). Identifiers: Orphanet 1872, MedGen C2750720, MONDO:0011987, OMIM 608194.
Leber congenital amaurosis 6 (LCA6). Identifiers: Orphanet 65, MedGen C1854260, MONDO:0013446, OMIM 613826.

Submission:

Labcorp Genetics (formerly Invitae), Labcorp
Classification: Pathogenic for Leber congenital amaurosis 6; Cone-rod dystrophy 13. Last evaluated: 2021-04-10. Review status: criteria provided, single submitter. Criteria: Invitae Variant Classification Sherloc (09022015). Collection method: clinical testing. Allele origin: germline.
Comment: For these reasons, this variant has been classified as Pathogenic. This variant has not been reported in the literature in individuals with RPGRIP1-related conditions. This variant is not present in population databases (ExAC no frequency). This sequence change creates a premature translational stop signal (p.Lys770Profs*87) in the RPGRIP1 gene. It is expected to result in an absent or disrupted protein product. Loss-of-function variants in RPGRIP1 are known to be pathogenic (PMID: 11528500, 23105016).

Literature cited by the submitters: PubMed 11528500; PubMed 23105016.